The following is an entry in ClinVar:

NM_007294.4(BRCA1):c.3367G>C (p.Asp1123His)

Genes: BRCA1 (BRCA1 DNA repair associated; minus strand), LOC126862571 (BRD4-independent group 4 enhancer GRCh37_chr17:41243136-41244335; plus strand). Cytogenetic location: 17q21.31.
Variant type: single nucleotide variant.
Coding change: c.3367G>C on transcript NM_007294.4 (MANE Select); coding-DNA position 3367, G replaced by C.
Protein change: p.Asp1123His; replaces aspartic acid 1123 with histidine.
Molecular consequence: missense variant. On other transcripts: intron variant (137).
Genome position (GRCh38, 1-based): chr17:43,092,164, C>G on the plus strand (G>C on the coding strand, the complement: BRCA1 is on the minus strand). VCF-style: chr17-43092164-C-G. GRCh37 (hg19) VCF-style: chr17-41244181-C-G.
Other names: c.3226G>C, p.Asp1076His (NM_001407727.1, NM_001407728.1, NM_001407729.1 and 29 more transcripts); c.3157G>C, p.Asp1053His (NM_001407907.1, NM_001407908.1, NM_001407909.1 and 13 more transcripts); c.3154G>C, p.Asp1052His (NM_001407915.1, NM_001407916.1, NM_001407917.1 and 9 more transcripts); c.3244G>C, p.Asp1082His (NM_001407919.1, NM_001407937.1, NM_001407938.1 and 19 more transcripts); c.3103G>C, p.Asp1035His (NM_001407920.1, NM_001407921.1, NM_001407922.1 and 9 more transcripts); c.3100G>C, p.Asp1034His (NM_001407930.1, NM_001407931.1, NM_001407932.1 and 2 more transcripts); c.3241G>C, p.Asp1081His (NM_001407940.1, NM_001407941.1, NM_001407649.1 and 11 more transcripts); c.3223G>C, p.Asp1075His (NM_001407943.1, NM_001407964.1, NM_001407740.1 and 20 more transcripts); and 41 more; short protein forms D1011H, D1012H, D1052H, D1055H, D1081H, D1122H, D1123H, D955H.
Identifiers: ClinVar variation 3481814 (VCV003481814.1).

ClinVar aggregate classification (germline): Uncertain significance (1 of 4 stars; one submission).

Conditions:
Hereditary cancer-predisposing syndrome. Also called: Tumor predisposition; Neoplastic Syndromes, Hereditary; Hereditary Cancer Syndrome; Hereditary neoplastic syndrome. Identifiers: Orphanet 140162, MedGen C0027672, MeSH D009386, MONDO:0015356.

Submission:

Ambry Genetics
Classification: Uncertain significance for Hereditary cancer-predisposing syndrome. Last evaluated: 2024-07-01. Review status: criteria provided, single submitter. Criteria: Ambry Variant Classification Scheme 2023. Collection method: clinical testing. Allele origin: germline.
Comment: The p.D1123H variant (also known as c.3367G>C), located in coding exon 9 of the BRCA1 gene, results from a G to C substitution at nucleotide position 3367. The aspartic acid at codon 1123 is replaced by histidine, an amino acid with similar properties. This amino acid position is not well conserved in available vertebrate species. In addition, the in silico prediction for this alteration is inconclusive. Based on the available evidence, the clinical significance of this variant remains unclear.